The following is an entry in ClinVar:

NM_022124.6(CDH23):c.2536G>A (p.Asp846Asn)

Gene: CDH23 (cadherin related 23; plus strand). Cytogenetic location: 10q22.1.
Variant type: single nucleotide variant.
Coding change: c.2536G>A on transcript NM_022124.6 (MANE Select); coding-DNA position 2536, G replaced by A.
Protein change: p.Asp846Asn; replaces aspartic acid 846 with asparagine.
Molecular consequence: missense variant.
Genome position (GRCh38, 1-based): chr10:71,702,160, G>A. VCF-style: chr10-71702160-G-A. GRCh37 (hg19) VCF-style: chr10-73461917-G-A.
Other names: c.2536G>A (NM_022124.5); c.2536G>A, p.Asp846Asn (NM_001171930.2, NM_001171931.2); short protein forms D846N.
Identifiers: ClinVar variation 998441 (VCV000998441.6), dbSNP rs372807578, ClinGen allele CA5544242.

ClinVar aggregate classification (germline): Uncertain significance. Review status: criteria provided, multiple submitters, no conflicts (2 of 4 stars). 4 submissions from 4 submitters: Uncertain significance (3). 1 of the submissions does not count toward it. Last evaluated 2026-03-11.

Conditions:
Inborn genetic diseases. Identifiers: MedGen C0950123, MeSH D030342.
Usher syndrome type 1 (USH1). Also called: RETINITIS PIGMENTOSA AND CONGENITAL DEAFNESS. Identifiers: Orphanet 231169, Orphanet 886, MedGen C1568247, MONDO:0010168, OMIM 276900.

Allele frequency attached by ClinVar (database versions not stated): ExAC 0.00002; gnomAD exomes 0.00002; gnomAD 0.00005; TOPMed 0.00005; ESP Exome Variant Server 0.00008.
gnomAD v4.1: 43 of 1,613,752 alleles (0.0027%); highest among the groups gnomAD compares: East Asian, 0.013%; no homozygotes.

Submissions (4):

Women's Health and Genetics/Laboratory Corporation of America, LabCorp
Classification: Uncertain significance. Last evaluated: 2026-03-11. Review status: criteria provided, single submitter. Criteria: LabCorp Variant Classification Summary - May 2015. Collection method: clinical testing. Allele origin: germline.
Comment: Variant summary: CDH23 c.2536G>A (p.Asp846Asn) results in a conservative amino acid change in the encoded protein sequence. Algorithms developed to predict the effect of missense changes on protein structure and function are either unavailable or do not agree on the potential impact of this missense change. The variant allele was found at a frequency of 2e-05 in 249018 control chromosomes. The available data on variant occurrences in the general population are insufficient to allow any conclusion about variant significance. To our knowledge, no occurrence of c.2536G>A in individuals affected with CDH23-related conditions and no experimental evidence demonstrating its impact on protein function have been reported. ClinVar contains an entry for this variant (Variation ID: 998441). Based on the evidence outlined above, the variant was classified as uncertain significance.

Labcorp Genetics (formerly Invitae), Labcorp
Classification: Uncertain significance. Last evaluated: 2022-08-02. Review status: criteria provided, single submitter. Criteria: Invitae Variant Classification Sherloc (09022015). Collection method: clinical testing. Allele origin: germline.
Comment: This sequence change replaces aspartic acid, which is acidic and polar, with asparagine, which is neutral and polar, at codon 846 of the CDH23 protein (p.Asp846Asn). This variant is present in population databases (rs372807578, gnomAD 0.005%). This variant has not been reported in the literature in individuals affected with CDH23-related conditions. ClinVar contains an entry for this variant (Variation ID: 998441). Algorithms developed to predict the effect of missense changes on protein structure and function output the following: SIFT: "Tolerated"; PolyPhen-2: "Not Available"; Align-GVGD: "Class C0". The asparagine amino acid residue is found in multiple mammalian species, which suggests that this missense change does not adversely affect protein function. In summary, the available evidence is currently insufficient to determine the role of this variant in disease. Therefore, it has been classified as a Variant of Uncertain Significance.

Ambry Genetics
Classification: Uncertain significance for Inborn genetic diseases. Last evaluated: 2021-07-14. Review status: criteria provided, single submitter. Criteria: Ambry Variant Classification Scheme 2023. Collection method: clinical testing. Allele origin: germline.

Natera, Inc.
Classification: Uncertain significance for Usher syndrome type 1. Last evaluated: 2020-07-21. Review status: no assertion criteria provided. Collection method: clinical testing. Allele origin: germline. Not counted in ClinVar's aggregate classification.